The following is an entry in ClinVar:

NM_004667.6(HERC2):c.2603C>A (p.Thr868Lys)

Gene: HERC2 (HECT and RLD domain containing E3 ubiquitin protein ligase 2; minus strand). Cytogenetic location: 15q13.1.
Variant type: single nucleotide variant.
Coding change: c.2603C>A on transcript NM_004667.6 (MANE Select); coding-DNA position 2603, C replaced by A.
Protein change: p.Thr868Lys; replaces threonine 868 with lysine.
Molecular consequence: missense variant.
Genome position (GRCh38, 1-based): chr15:28,256,232, G>T on the plus strand (C>A on the coding strand, the complement: HERC2 is on the minus strand). VCF-style: chr15-28256232-G-T. GRCh37 (hg19) VCF-style: chr15-28501378-G-T.
Other names: short protein forms T868K.
Identifiers: ClinVar variation 449576 (VCV000449576.2), dbSNP rs771006588, ClinGen allele CA7443156.

ClinVar aggregate classification (germline): Uncertain significance (1 of 4 stars; one submission).

Allele frequency attached by ClinVar (database versions not stated): TOPMed 0.00001.

Submission:

GeneDx
Classification: Uncertain significance. Last evaluated: 2015-11-09. Review status: criteria provided, single submitter. Criteria: GeneDx Variant Classification (06012015). Collection method: clinical testing. Allele origin: germline. Affected: yes.
Comment: The T868K variant in the HERC2 gene has not been reported previously as a pathogenic variant, nor as a benign variant, to our knowledge. The T868K variant was not observed in approximately 6400 individuals of European and African American ancestry in the NHLBI Exome Sequencing Project, indicating it is not a common benign variant in these populations. The T868K variant is a semi-conservative amino acid substitution, which may impact secondary protein structure as these residues differ in some properties. This substitution occurs at a position that is conserved across species. In silico analysis is inconsistent in its predictions as to whether or not the variant is damaging to the protein structure/function. We interpret T868K as a variant of uncertain significance.